The following is an entry in ClinVar:

ClinVar aggregate classification (germline): Uncertain significance (1 of 4 stars; one submission).

Allele frequency attached by ClinVar (database versions not stated): ExAC 0.00001; gnomAD exomes 0.00001; gnomAD 0.00002.
gnomAD v4.1: 21 of 1,613,938 alleles (0.0013%); highest among the groups gnomAD compares: Admixed American, 0.0033%; no homozygotes.

Submission:

Labcorp Genetics (formerly Invitae), Labcorp
Classification: Uncertain significance. Last evaluated: 2022-01-04. Review status: criteria provided, single submitter. Criteria: Invitae Variant Classification Sherloc (09022015). Collection method: clinical testing. Allele origin: germline.
Comment: In summary, the available evidence is currently insufficient to determine the role of this variant in disease. Therefore, it has been classified as a Variant of Uncertain Significance. Algorithms developed to predict the effect of missense changes on protein structure and function are either unavailable or do not agree on the potential impact of this missense change (SIFT: "Tolerated"; PolyPhen-2: "Probably Damaging"; Align-GVGD: "Class C0"). This variant has not been reported in the literature in individuals affected with ARHGAP31-related conditions. This variant is present in population databases (rs768299424, gnomAD 0.002%). This sequence change replaces arginine, which is basic and polar, with glutamine, which is neutral and polar, at codon 295 of the ARHGAP31 protein (p.Arg295Gln).

NM_020754.4(ARHGAP31):c.884G>A (p.Arg295Gln)

Gene: ARHGAP31 (Rho GTPase activating protein 31; plus strand). Cytogenetic location: 3q13.33.
Variant type: single nucleotide variant.
Coding change: c.884G>A on transcript NM_020754.4 (MANE Select); coding-DNA position 884, G replaced by A.
Protein change: p.Arg295Gln; replaces arginine 295 with glutamine.
Molecular consequence: missense variant.
Genome position (GRCh38, 1-based): chr3:119,393,469, G>A. VCF-style: chr3-119393469-G-A. GRCh37 (hg19) VCF-style: chr3-119112316-G-A.
Other names: short protein forms R295Q.
Identifiers: ClinVar variation 1976787 (VCV001976787.5), dbSNP rs768299424, ClinGen allele CA2553722.